The following is an entry in ClinVar:

NM_201589.4(MAFA):c.256G>A (p.Gly86Ser)

Gene: MAFA (MAF bZIP transcription factor A; minus strand). Cytogenetic location: 8q24.3.
Variant type: single nucleotide variant.
Coding change: c.256G>A on transcript NM_201589.4 (MANE Select); coding-DNA position 256, G replaced by A.
Protein change: p.Gly86Ser; replaces glycine 86 with serine.
Molecular consequence: missense variant.
Genome position (GRCh38, 1-based): chr8:143,430,151, C>T on the plus strand (G>A on the coding strand, the complement: MAFA is on the minus strand). VCF-style: chr8-143430151-C-T. GRCh37 (hg19) VCF-style: chr8-144512321-C-T.
Other names: short protein forms G86S.
Identifiers: ClinVar variation 4050486 (VCV004050486.2).
Genomic context (GRCh38, chr8:143,430,151, plus strand): 5'-CCCCGACGGCGCCGGGGCCCCCGCTCGGCGGCCCGGGGGCGCCCCCGGCCTGAGACGAGC[C>T]GCCGCCGCCCCCCGCGCCGCCGCCGCCGCCGGTGCCCGGGCTGGGCGCGCAGAAGCTGGG-3'
Protein context (NP_963883.2, residues 76-96): GGGGGAGGGG[Gly86Ser]SSQAGGAPGP

ClinVar aggregate classification (germline): Uncertain significance. Review status: criteria provided, multiple submitters, no conflicts (2 of 4 stars). 2 submissions from 2 submitters: Uncertain significance (2). Last evaluated 2026-06-17.

Conditions:
MAFA-related disorder. Also called: MAFA-related condition.

Submissions (2):

PreventionGenetics, part of Exact Sciences
Classification: Uncertain significance for MAFA-related condition. Last evaluated: 2026-06-17. Review status: criteria provided, single submitter. Criteria: ACMG Guidelines, 2015. Collection method: clinical testing. Allele origin: germline.
Comment: The MAFA c.256G>A variant is predicted to result in the amino acid substitution p.Gly86Ser. To our knowledge, this variant has not been reported in the literature or in a large population database (gnomAD), indicating this variant is rare. At this time, the clinical significance of this variant is uncertain due to the absence of conclusive functional and genetic evidence.

Ambry Genetics
Classification: Uncertain significance. Last evaluated: 2025-05-29. Review status: criteria provided, single submitter. Criteria: Ambry Variant Classification Scheme 2023. Collection method: clinical testing. Allele origin: germline.